The following is an entry in ClinVar:

ClinVar aggregate classification (germline): Uncertain significance (1 of 4 stars; one submission).

Conditions:
Neuronopathy, distal hereditary motor, autosomal recessive 4. Also called: NEUROPATHY, DISTAL HEREDITARY MOTOR, AUTOSOMAL RECESSIVE 4; Autosomal recessive lower motor neuron disease with childhood onset. Identifiers: Orphanet 206580, MedGen C1970211, MONDO:0012608, OMIM 611067.
Charcot-Marie-Tooth disease recessive intermediate C. Also called: CHARCOT-MARIE-TOOTH NEUROPATHY, RECESSIVE INTERMEDIATE C. Identifiers: Orphanet 369867, MedGen C3809309, MONDO:0014154, OMIM 615376.

Allele frequency attached by ClinVar (database versions not stated): gnomAD 0.00003 and 0.00002; TOPMed 0.00001.
gnomAD v4.1: 24 of 1,612,344 alleles (0.0015%); highest among the groups gnomAD compares: Admixed American, 0.005%; no homozygotes.

Submission:

Labcorp Genetics (formerly Invitae), Labcorp
Classification: Uncertain significance for Neuronopathy, distal hereditary motor, autosomal recessive 4; Charcot-Marie-Tooth disease recessive intermediate C. Last evaluated: 2025-03-17. Review status: criteria provided, single submitter. Criteria: Invitae Variant Classification Sherloc (09022015). Collection method: clinical testing. Allele origin: germline.
Comment: This sequence change replaces arginine, which is basic and polar, with glutamine, which is neutral and polar, at codon 333 of the PLEKHG5 protein (p.Arg333Gln). This variant is present in population databases (rs759306471, gnomAD 0.003%). This variant has not been reported in the literature in individuals affected with PLEKHG5-related conditions. ClinVar contains an entry for this variant (Variation ID: 659569). An algorithm developed to predict the effect of missense changes on protein structure and function (PolyPhen-2) suggests that this variant is likely to be tolerated. In summary, the available evidence is currently insufficient to determine the role of this variant in disease. Therefore, it has been classified as a Variant of Uncertain Significance.

NM_020631.6(PLEKHG5):c.998G>A (p.Arg333Gln)

Gene: PLEKHG5 (pleckstrin homology and RhoGEF domain containing G5; minus strand). Cytogenetic location: 1p36.31.
Variant type: single nucleotide variant.
Coding change: c.998G>A on transcript NM_020631.6 (MANE Select); coding-DNA position 998, G replaced by A.
Protein change: p.Arg333Gln; replaces arginine 333 with glutamine.
Molecular consequence: missense variant.
Genome position (GRCh38, 1-based): chr1:6,472,609, C>T on the plus strand (G>A on the coding strand, the complement: PLEKHG5 is on the minus strand). VCF-style: chr1-6472609-C-T. GRCh37 (hg19) VCF-style: chr1-6532669-C-T.
Other names: c.1109G>A, p.Arg370Gln (NM_001042663.3, NM_001265592.2); c.998G>A, p.Arg333Gln (NM_001042664.2, NM_001042665.2, NM_001265594.3 and 1 more transcripts); c.1205G>A, p.Arg402Gln (NM_001265593.2); short protein forms R333Q, R402Q, R370Q.
Identifiers: ClinVar variation 659569 (VCV000659569.9), dbSNP rs759306471, ClinGen allele CA561675.